The following is an entry in ClinVar:

NM_000122.2(ERCC3):c.2275_2283del (p.Met759_Tyr761del)

Gene: ERCC3 (ERCC excision repair 3, TFIIH core complex helicase subunit; minus strand). Cytogenetic location: 2q14.3.
Variant type: Deletion.
Coding change: c.2275_2283del on transcript NM_000122.2 (MANE Select); coding-DNA positions 2275 to 2283, 9 bases deleted (ATGGAGTAC; older notation c.2275_2283delATGGAGTAC).
Protein change: p.Met759_Tyr761del.
Molecular consequence: inframe deletion.
Genome position (GRCh38, 1-based): chr2:127,257,662-127,257,670, GTACTCCAT deleted on the plus strand (ATGGAGTAC on the coding strand, the reverse complement: ERCC3 is on the minus strand); deleting any 9 consecutive bases within chr2:127,257,662-127,257,674 gives the same sequence; the c. name uses the placement nearest the transcript's 3' end. VCF-style (leftmost placement, unchanged base first): chr2-127257661-GGTACTCCAT-G. GRCh37 (hg19) VCF-style: chr2-128015237-GGTACTCCAT-G.
Other names: c.2083_2091del, p.Met695_Tyr697del (NM_001303416.2, NM_001303418.2).
Identifiers: ClinVar variation 3250468 (VCV003250468.1), dbSNP rs2467998169.

ClinVar aggregate classification (germline): Uncertain significance (1 of 4 stars; one submission).

Conditions:
Xeroderma pigmentosum group B. Also called: XERODERMA PIGMENTOSUM B/COCKAYNE SYNDROME; ERCC3-Related Xeroderma Pigmentosum; XP, GROUP B; XPB/CS. Identifiers: MedGen C0268136, MONDO:0012531, OMIM 610651.

Submission:

Neuberg Centre For Genomic Medicine, NCGM
Classification: Uncertain significance for Xeroderma pigmentosum group B. Review status: criteria provided, single submitter. Criteria: ACMG Guidelines, 2015. Collection method: clinical testing. Allele origin: germline. Inheritance: Autosomal recessive inheritance. Affected: yes.
Comment: The observed inframe deletion variant c.2275_2283del (p.Met759_Tyr761del) in ERCC3 gene has not been reported previously as a pathogenic variant nor as a benign variant, to our knowledge. The p.Met759_Tyr761del variant is absent in gnomAD Exomes. This variant has not been submitted to the ClinVar database. This p.Met759_Tyr761del causes deletion of amino acid Methionine at position 759 to Tyrosine at position 761. For these reasons, this variant has been classified as Variant of Uncertain Significance (VUS).